The following is an entry in ClinVar:

ClinVar aggregate classification (germline): Uncertain significance (1 of 4 stars; one submission).

Conditions:
Fibrous dysplasia of jaw (CRBM). Also called: Cherubism. Identifiers: Orphanet 184, MedGen C0008029, MONDO:0007315, OMIM 118400.

Allele frequency attached by ClinVar (database versions not stated): gnomAD exomes below 0.00001 and 0.00001.
gnomAD v4.1: 3 of 1,613,000 alleles (0.00019%); highest among the groups gnomAD compares: Admixed American, 0.0017%; no homozygotes.

Submission:

Labcorp Genetics (formerly Invitae), Labcorp
Classification: Uncertain significance for Fibrous dysplasia of jaw. Last evaluated: 2023-12-11. Review status: criteria provided, single submitter. Criteria: Invitae Variant Classification Sherloc (09022015). Collection method: clinical testing. Allele origin: germline.
Comment: This sequence change replaces serine, which is neutral and polar, with proline, which is neutral and non-polar, at codon 347 of the SH3BP2 protein (p.Ser347Pro). This variant is present in population databases (no rsID available, gnomAD 0.003%). This variant has not been reported in the literature in individuals affected with SH3BP2-related conditions. ClinVar contains an entry for this variant (Variation ID: 958887). Advanced modeling of protein sequence and biophysical properties (such as structural, functional, and spatial information, amino acid conservation, physicochemical variation, residue mobility, and thermodynamic stability) performed at Invitae indicates that this missense variant is not expected to disrupt SH3BP2 protein function with a negative predictive value of 80%. In summary, the available evidence is currently insufficient to determine the role of this variant in disease. Therefore, it has been classified as a Variant of Uncertain Significance.

NM_001122681.2(SH3BP2):c.1039T>C (p.Ser347Pro)

Gene: SH3BP2 (SH3 domain binding protein 2; plus strand). Cytogenetic location: 4p16.3.
Variant type: single nucleotide variant.
Coding change: c.1039T>C on transcript NM_001122681.2 (MANE Select); coding-DNA position 1039, T replaced by C.
Protein change: p.Ser347Pro; replaces serine 347 with proline.
Molecular consequence: missense variant.
Genome position (GRCh38, 1-based): chr4:2,829,945, T>C. VCF-style: chr4-2829945-T-C. GRCh37 (hg19) VCF-style: chr4-2831672-T-C.
Other names: c.1123T>C, p.Ser375Pro (NM_001145855.2); c.1210T>C, p.Ser404Pro (NM_001145856.2); c.1039T>C, p.Ser347Pro (NM_003023.4); short protein forms S375P, S347P, S404P.
Identifiers: ClinVar variation 958887 (VCV000958887.9), dbSNP rs1274772239, ClinGen allele CA356056870.